The following is an entry in ClinVar:

ClinVar aggregate classification (germline): Uncertain significance. Review status: criteria provided, multiple submitters, no conflicts (2 of 4 stars). 4 submissions from 4 submitters: Uncertain significance (4). Last evaluated 2026-07-01.

Conditions:
LHX3-related disorder. Also called: LHX3-related condition.
Inborn genetic diseases. Identifiers: MedGen C0950123, MeSH D030342.

Allele frequency attached by ClinVar (database versions not stated): TOPMed 0.00012; gnomAD exomes 0.00014; gnomAD 0.00016; ESP Exome Variant Server 0.00031; ExAC 0.00033.

Submissions (4):

PreventionGenetics, part of Exact Sciences
Classification: Uncertain significance for LHX3-related condition. Last evaluated: 2026-07-01. Review status: criteria provided, single submitter. Criteria: ACMG Guidelines, 2015. Collection method: clinical testing. Allele origin: germline.
Comment: The LHX3 c.392C>A variant is predicted to result in the amino acid substitution p.Ala131Asp. To our knowledge, this variant has not been reported in the literature. This variant is reported in 0.047% of alleles in individuals of European (Non-Finnish) descent in gnomAD. At this time, the clinical significance of this variant is uncertain due to the absence of conclusive functional and genetic evidence.

Ambry Genetics
Classification: Uncertain significance for Inborn genetic diseases. Last evaluated: 2025-01-26. Review status: criteria provided, single submitter. Criteria: Ambry Variant Classification Scheme 2023. Collection method: clinical testing. Allele origin: germline.

Blueprint Genetics
Classification: Uncertain significance. Last evaluated: 2024-01-29. Review status: criteria provided, single submitter. Criteria: ACMG Guidelines, 2015. Collection method: clinical testing. Allele origin: germline.

Labcorp Genetics (formerly Invitae), Labcorp
Classification: Uncertain significance. Last evaluated: 2022-03-29. Review status: criteria provided, single submitter. Criteria: Invitae Variant Classification Sherloc (09022015). Collection method: clinical testing. Allele origin: germline.
Comment: This sequence change replaces alanine, which is neutral and non-polar, with aspartic acid, which is acidic and polar, at codon 131 of the LHX3 protein (p.Ala131Asp). This variant is present in population databases (rs148212782, gnomAD 0.05%). This variant has not been reported in the literature in individuals affected with LHX3-related conditions. Algorithms developed to predict the effect of missense changes on protein structure and function are either unavailable or do not agree on the potential impact of this missense change (SIFT: "Not Available"; PolyPhen-2: "Benign"; Align-GVGD: "Not Available"). In summary, the available evidence is currently insufficient to determine the role of this variant in disease. Therefore, it has been classified as a Variant of Uncertain Significance.

NM_178138.6(LHX3):c.377C>A (p.Ala126Asp)

Gene: LHX3 (LIM homeobox 3; minus strand). Cytogenetic location: 9q34.3.
Variant type: single nucleotide variant.
Coding change: c.377C>A on transcript NM_178138.6 (MANE Select); coding-DNA position 377, C replaced by A.
Protein change: p.Ala126Asp; replaces alanine 126 with aspartic acid.
Molecular consequence: missense variant.
Genome position (GRCh38, 1-based): chr9:136,199,755, G>T on the plus strand (C>A on the coding strand, the complement: LHX3 is on the minus strand). VCF-style: chr9-136199755-G-T. GRCh37 (hg19) VCF-style: chr9-139091601-G-T.
Other names: c.392C>A (NM_014564.4); c.344C>A, p.Ala115Asp (NM_001363746.1); c.392C>A, p.Ala131Asp (NM_014564.5); short protein forms A126D, A131D, A115D.
Identifiers: ClinVar variation 2085809 (VCV002085809.5), dbSNP rs148212782, ClinGen allele CA5330518.